The following is an entry in ClinVar:

NM_021971.4(GMPPB):c.670G>T (p.Asp224Tyr)

Gene: GMPPB (GDP-mannose pyrophosphorylase B; minus strand). Cytogenetic location: 3p21.31.
Variant type: single nucleotide variant.
Coding change: c.670G>T on transcript NM_021971.4 (MANE Select); coding-DNA position 670, G replaced by T.
Protein change: p.Asp224Tyr; replaces aspartic acid 224 with tyrosine.
Molecular consequence: missense variant.
Genome position (GRCh38, 1-based): chr3:49,722,329, C>A on the plus strand (G>T on the coding strand, the complement: GMPPB is on the minus strand). VCF-style: chr3-49722329-C-A. GRCh37 (hg19) VCF-style: chr3-49759762-C-A.
Other names: c.670G>T, p.Asp224Tyr (NM_013334.4); short protein forms D224Y.
Identifiers: ClinVar variation 4292251 (VCV004292251.1).

ClinVar aggregate classification (germline): Uncertain significance (1 of 4 stars; one submission).

Conditions:
GMPPB-related disorder. Also called: GMPPB-related condition; GMPPB-related disorders.

Submission:

3billion
Classification: Uncertain significance for GMPPB-related disorder. Last evaluated: 2024-12-09. Review status: criteria provided, single submitter. Criteria: ACMG Guidelines, 2015. Collection method: clinical testing. Allele origin: germline. Affected: yes.
Comment: The variant is not observed in the gnomAD v4.1.0 dataset. Predicted Consequence/Location: Missense variant In silico tool predictions suggest damaging effect of the variant on gene or gene product [REVEL: 0.88 (>=0.6, sensitivity 0.68 and specificity 0.92)]. Therefore, this variant is classified as VUS according to the recommendation of ACMG/AMP guideline.